The following is an entry in ClinVar:

NM_000059.4(BRCA2):c.6596del (p.Thr2199fs)

Gene: BRCA2 (BRCA2 DNA repair associated; plus strand). Cytogenetic location: 13q13.1.
Variant type: Deletion.
Coding change: c.6596del on transcript NM_000059.4 (MANE Select); coding-DNA position 6596, one base deleted (C; older notation c.6596delC).
Protein change: p.Thr2199fs; shifts the reading frame from threonine 2199.
Molecular consequence: frameshift variant.
Genome position (GRCh38, 1-based): chr13:32,340,951, C deleted. VCF-style (leftmost placement, unchanged base first): chr13-32340950-AC-A. GRCh37 (hg19) VCF-style: chr13-32915087-AC-A.
Other names: 6824delC; c.6596_6596delC (NM_000059.3).
Identifiers: ClinVar variation 229950 (VCV000229950.16), dbSNP rs876658294, ClinGen allele CA10579704.
Genomic context (GRCh38, chr13:32,340,950, plus strand): 5'-GTTTTGGGAAAAGAACAGGCTTCACCTAAAAACGTAAAAATGGAAATTGGTAAAACTGAA[AC>A]TTTTTCTGATGTTCCTGTGAAAACAAATATAGAAGTTTGTTCTACTTACTCCAAAGATTC-3'

ClinVar aggregate classification (germline): Pathogenic. Review status: reviewed by expert panel (3 of 4 stars). 5 submissions from 5 submitters: Pathogenic (1). 4 of the submissions do not count toward it. Last evaluated 2016-10-18.

Conditions:
Hereditary cancer-predisposing syndrome. Also called: Hereditary Cancer Syndrome; Neoplastic Syndromes, Hereditary; Tumor predisposition; Hereditary neoplastic syndrome. Identifiers: Orphanet 140162, MedGen C0027672, MeSH D009386, MONDO:0015356.
Breast-ovarian cancer, familial, susceptibility to, 2 (BROVCA2). Also called: BRCA2 Hereditary Breast and Ovarian Cancer. Identifiers: Orphanet 145, MedGen C2675520, MONDO:0012933, OMIM 612555. Disease mechanism: loss of function.

Submissions (5):

Evidence-based Network for the Interpretation of Germline Mutant Alleles (ENIGMA)
Classification: Pathogenic for Breast-ovarian cancer, familial, susceptibility to, 2. Last evaluated: 2016-10-18. Review status: reviewed by expert panel. Criteria: ENIGMA BRCA1/2 Classification Criteria (2015). Collection method: curation. Allele origin: germline.
Comment: Variant allele predicted to encode a truncated non-functional protein.

Color Diagnostics, LLC DBA Color Health
Classification: Pathogenic for Hereditary cancer-predisposing syndrome. Last evaluated: 2022-04-18. Review status: criteria provided, single submitter. Criteria: ACMG Guidelines, 2015. Collection method: clinical testing. Allele origin: germline. Not counted in ClinVar's aggregate classification.
Comment: This variant deletes 1 nucleotide in exon 11 of the BRCA2 gene, creating a frameshift and premature translation stop signal. This variant is expected to result in an absent or non-functional protein product. This variant has been reported in 1 individual affected with early-onset breast cancer, 1 individual affected with ovarian cancer (PMID: 34072659), and has been identified in 1 family among the CIMBA participants (PMID: 29446198). This variant has not been identified in the general population by the Genome Aggregation Database (gnomAD). Loss of BRCA2 function is a known mechanism of disease. Based on the available evidence, this variant is classified as Pathogenic.

Genologica Medica
Classification: Pathogenic for Breast-ovarian cancer, familial, susceptibility to, 2. Last evaluated: 2017-01-01. Review status: criteria provided, single submitter. Criteria: ACMG Guidelines, 2015. Collection method: clinical testing. Allele origin: germline. Affected: yes. Not counted in ClinVar's aggregate classification.

Consortium of Investigators of Modifiers of BRCA1/2 (CIMBA), c/o University of Cambridge
Classification: Pathogenic for Breast-ovarian cancer, familial, susceptibility to, 2. Last evaluated: 2015-10-02. Review status: criteria provided, single submitter. Criteria: CIMBA Mutation Classification guidelines May 2016. Collection method: clinical testing. Allele origin: germline. Not counted in ClinVar's aggregate classification.

Ambry Genetics
Classification: Pathogenic for Hereditary cancer-predisposing syndrome. Last evaluated: 2015-01-07. Review status: criteria provided, single submitter. Criteria: Ambry Variant Classification Scheme 2023. Collection method: clinical testing. Allele origin: germline. Not counted in ClinVar's aggregate classification.
Comment: The c.6596delC pathogenic mutation (also known as 6824delC), located in coding exon 10 of the BRCA2 gene, results from a deletion of one nucleotide at position 6596, causing a translational frameshift with a predicted alternate stop codon. Since frameshifts are typically deleterious in nature, this alteration is interpreted as a disease-causing mutation (ACMG Recommendations for Standards for Interpretation and Reporting of Sequence Variations. Revision 2007. Genet Med. 2008;10:294).

Literature cited by the submitters: PubMed 29446198 (cited by Color Diagnostics, LLC DBA Color Health); PubMed 34072659 (cited by Color Diagnostics, LLC DBA Color Health).